The following is an entry in ClinVar:

ClinVar aggregate classification (germline): Uncertain significance. Review status: criteria provided, multiple submitters, no conflicts (2 of 4 stars). 4 submissions from 4 submitters: Uncertain significance (4). Last evaluated 2025-04-14.

Conditions:
Inborn genetic diseases. Identifiers: MedGen C0950123, MeSH D030342.
Imerslund-Grasbeck syndrome type 1 (IGS1). Also called: MEGALOBLASTIC ANEMIA, 1; Megaloblastic anemia 1, Finnish type; Imerslund-Gräsbeck syndrome 1. Identifiers: MedGen C4016819, MONDO:0100156, OMIM 261100.
Proteinuria, chronic benign. Identifiers: MedGen C5394384, MONDO:0030042, OMIM 618884.
Imerslund-Grasbeck syndrome. Also called: ENTEROCYTE COBALAMIN MALABSORPTION; Megaloblastic anemia due to inborn errors of metabolism; Imerslund-Gräsbeck syndrome; ENTEROCYTE INTRINSIC FACTOR RECEPTOR, DEFECT OF; PERNICIOUS ANEMIA, JUVENILE, DUE TO SELECTIVE INTESTINAL MALABSORPTION OF VITAMIN B12, WITH PROTEINURIA. Identifiers: Orphanet 35858, MedGen C4551825, MONDO:0009853.

gnomAD v4.1: 26 of 1,613,948 alleles (0.0016%); highest among the groups gnomAD compares: Non-Finnish European, 0.0019%; no homozygotes.

Submissions (4):

Labcorp Genetics (formerly Invitae), Labcorp
Classification: Uncertain significance for Imerslund-Grasbeck syndrome. Last evaluated: 2025-04-14. Review status: criteria provided, single submitter. Criteria: Invitae Variant Classification Sherloc (09022015). Collection method: clinical testing. Allele origin: germline.
Comment: This sequence change replaces alanine, which is neutral and non-polar, with serine, which is neutral and polar, at codon 3577 of the CUBN protein (p.Ala3577Ser). This variant is present in population databases (no rsID available, gnomAD 0.0009%). This variant has not been reported in the literature in individuals affected with CUBN-related conditions. ClinVar contains an entry for this variant (Variation ID: 1483766). Invitae Evidence Modeling of protein sequence and biophysical properties (such as structural, functional, and spatial information, amino acid conservation, physicochemical variation, residue mobility, and thermodynamic stability) indicates that this missense variant is not expected to disrupt CUBN protein function with a negative predictive value of 80%. In summary, the available evidence is currently insufficient to determine the role of this variant in disease. Therefore, it has been classified as a Variant of Uncertain Significance.

Ambry Genetics
Classification: Uncertain significance for Inborn genetic diseases. Last evaluated: 2023-06-06. Review status: criteria provided, single submitter. Criteria: Ambry Variant Classification Scheme 2023. Collection method: clinical testing. Allele origin: germline.

CeGaT Center for Human Genetics Tuebingen
Classification: Uncertain significance. Last evaluated: 2022-07-01. Review status: criteria provided, single submitter. Criteria: CeGaT Center For Human Genetics Tuebingen Variant Classification Criteria Version 2. Collection method: clinical testing. Allele origin: germline. Affected: yes. Observed: 1 variant allele.
Comment: CUBN: PM2, BP4

Fulgent Genetics
Classification: Uncertain significance for Imerslund-Grasbeck syndrome type 1; Proteinuria, chronic benign. Last evaluated: 2021-07-13. Review status: criteria provided, single submitter. Criteria: ACMG Guidelines, 2015. Collection method: clinical testing. Allele origin: unknown.

NM_001081.4(CUBN):c.10729G>T (p.Ala3577Ser)

Gene: CUBN (cubilin; minus strand). Cytogenetic location: 10p13.
Variant type: single nucleotide variant.
Coding change: c.10729G>T on transcript NM_001081.4 (MANE Select); coding-DNA position 10729, G replaced by T.
Protein change: p.Ala3577Ser; replaces alanine 3577 with serine.
Molecular consequence: missense variant.
Genome position (GRCh38, 1-based): chr10:16,828,840, C>A on the plus strand (G>T on the coding strand, the complement: CUBN is on the minus strand). VCF-style: chr10-16828840-C-A. GRCh37 (hg19) VCF-style: chr10-16870839-C-A.
Other names: c.10729G>T (NM_001081.3); short protein forms A3577S.
Identifiers: ClinVar variation 1483766 (VCV001483766.39), dbSNP rs139051724, ClinGen allele CA376119850.